The following is an entry in ClinVar:

ClinVar aggregate classification (germline): Likely benign. Review status: criteria provided, multiple submitters, no conflicts (2 of 4 stars). 3 submissions from 3 submitters: Likely benign (3). Last evaluated 2025-06-03.

Conditions:
Hereditary cancer-predisposing syndrome. Also called: Hereditary Cancer Syndrome; Neoplastic Syndromes, Hereditary; Tumor predisposition; Hereditary neoplastic syndrome. Identifiers: Orphanet 140162, MedGen C0027672, MeSH D009386, MONDO:0015356.
BAP1-related tumor predisposition syndrome (TPDS1). Also called: Tumor susceptibility linked to germline BAP1 mutations; BAP1 tumor predisposition syndrome; COMMON Syndrome; TUMOR PREDISPOSITION SYNDROME 1. Identifiers: Orphanet 289539, MedGen C3280492, MONDO:0013692, OMIM 614327.

gnomAD v4.1: 5 of 1,614,210 alleles (0.00031%); highest among the groups gnomAD compares: Admixed American, 0.0083%; no homozygotes.

Submissions (3):

Labcorp Genetics (formerly Invitae), Labcorp
Classification: Likely benign for BAP1-related tumor predisposition syndrome. Last evaluated: 2025-06-03. Review status: criteria provided, single submitter. Criteria: Invitae Variant Classification Sherloc (09022015). Collection method: clinical testing. Allele origin: germline.

Myriad Genetics, Inc.
Classification: Likely benign for BAP1-related tumor predisposition syndrome. Last evaluated: 2024-11-27. Review status: criteria provided, single submitter. Criteria: Myriad Autosomal Dominant, Autosomal Recessive and X-Linked Classification Criteria (2023). Collection method: clinical testing. Allele origin: unknown.
Comment: This variant is considered likely benign. This variant is intronic and is not expected to impact mRNA splicing. Homozygosity has been confirmed in one or more individuals. As homozygosity for pathogenic variants in this gene is generally assumed to result in embryonic lethality, this variant is unlikely to be pathogenic.

Color Diagnostics, LLC DBA Color Health
Classification: Likely benign for Hereditary cancer-predisposing syndrome. Last evaluated: 2017-09-22. Review status: criteria provided, single submitter. Criteria: ACMG Guidelines, 2015. Collection method: clinical testing. Allele origin: germline.

NM_004656.4(BAP1):c.68-17T>A

Gene: BAP1 (BRCA1 associated deubiquitinase 1; minus strand). Cytogenetic location: 3p21.1.
Variant type: single nucleotide variant.
Coding change: c.68-17T>A on transcript NM_004656.4 (MANE Select); 17 bases into the intron before coding-DNA position 68, T replaced by A.
Molecular consequence: intron variant.
Genome position (GRCh38, 1-based): chr3:52,409,625, A>T on the plus strand (T>A on the coding strand, the complement: BAP1 is on the minus strand). VCF-style: chr3-52409625-A-T. GRCh37 (hg19) VCF-style: chr3-52443641-A-T.
Identifiers: ClinVar variation 490881 (VCV000490881.12), dbSNP rs763915291, ClinGen allele CA2437197.